The following is an entry in ClinVar:

ClinVar aggregate classification (germline): Uncertain significance (1 of 4 stars; one submission).

Conditions:
Polyglucosan body myopathy type 1 (PGBM1). Also called: POLYGLUCOSAN BODY MYOPATHY WITHOUT IMMUNODEFICIENCY; Polyglucosan body myopathy 1 with or without immunodeficiency. Identifiers: Orphanet 329173, Orphanet 397937, MedGen C4014605, MONDO:0014389, OMIM 615895.

Submission:

Labcorp Genetics (formerly Invitae), Labcorp
Classification: Uncertain significance for Polyglucosan body myopathy type 1. Last evaluated: 2022-03-18. Review status: criteria provided, single submitter. Criteria: Invitae Variant Classification Sherloc (09022015). Collection method: clinical testing. Allele origin: germline.
Comment: This sequence change replaces lysine, which is basic and polar, with asparagine, which is neutral and polar, at codon 456 of the RBCK1 protein (p.Lys456Asn). This variant is not present in population databases (gnomAD no frequency). This variant has not been reported in the literature in individuals affected with RBCK1-related conditions. Algorithms developed to predict the effect of missense changes on protein structure and function are either unavailable or do not agree on the potential impact of this missense change (SIFT: "Not Available"; PolyPhen-2: "Probably Damaging"; Align-GVGD: "Not Available"). In summary, the available evidence is currently insufficient to determine the role of this variant in disease. Therefore, it has been classified as a Variant of Uncertain Significance.

NM_031229.4(RBCK1):c.1368G>T (p.Lys456Asn)

Gene: RBCK1 (RANBP2-type and C3HC4-type zinc finger containing 1; plus strand). Cytogenetic location: 20p13.
Variant type: single nucleotide variant.
Coding change: c.1368G>T on transcript NM_031229.4 (MANE Select); coding-DNA position 1368, G replaced by T.
Protein change: p.Lys456Asn; replaces lysine 456 with asparagine.
Molecular consequence: missense variant. On other transcripts: non-coding transcript variant (1).
Genome position (GRCh38, 1-based): chr20:429,010, G>T. VCF-style: chr20-429010-G-T. GRCh37 (hg19) VCF-style: chr20-409654-G-T.
Other names: c.858G>T, p.Lys286Asn (NM_001323956.2, NM_001323958.2); c.1419G>T, p.Lys473Asn (NM_001410770.1); c.1242G>T, p.Lys414Asn (NM_006462.6); short protein forms K414N, K456N, K286N, K473N.
Identifiers: ClinVar variation 2113418 (VCV002113418.4), dbSNP rs2514554385, ClinGen allele CA407938318.